The following is an entry in ClinVar:

ClinVar aggregate classification (germline): Uncertain significance (1 of 4 stars; one submission).

Conditions:
Encephalopathy, acute, infection-induced (herpes-specific), susceptibility to, 1. Also called: Herpes simplex encephalitis, susceptibility to, 1. Identifiers: Orphanet 1930, MedGen C2750180, MONDO:0024563, OMIM 610551.

Allele frequency attached by ClinVar (database versions not stated): gnomAD 0.00011 and 0.00012; gnomAD exomes 0.00001; TOPMed 0.00011.

Submission:

Labcorp Genetics (formerly Invitae), Labcorp
Classification: Uncertain significance for Encephalopathy, acute, infection-induced (herpes-specific), susceptibility to, 1. Last evaluated: 2022-09-01. Review status: criteria provided, single submitter. Criteria: Invitae Variant Classification Sherloc (09022015). Collection method: clinical testing. Allele origin: germline.
Comment: This sequence change falls in intron 1 of the UNC93B1 gene. It does not directly change the encoded amino acid sequence of the UNC93B1 protein. It affects a nucleotide within the consensus splice site. This variant is present in population databases (no rsID available, gnomAD 0.02%). This variant has not been reported in the literature in individuals affected with UNC93B1-related conditions. ClinVar contains an entry for this variant (Variation ID: 1026867). Variants that disrupt the consensus splice site are a relatively common cause of aberrant splicing (PMID: 17576681, 9536098). Experimental studies and prediction algorithms are not available or were not evaluated, and the effect of this variant on mRNA splicing is currently unknown. In summary, the available evidence is currently insufficient to determine the role of this variant in disease. Therefore, it has been classified as a Variant of Uncertain Significance.

Literature cited by the submitters: PubMed 17576681; PubMed 9536098.

NM_030930.4(UNC93B1):c.96+6C>A

Gene: UNC93B1 (unc-93B1 regulator of TLR signaling; minus strand). Cytogenetic location: 11q13.2.
Variant type: single nucleotide variant.
Coding change: c.96+6C>A on transcript NM_030930.4 (MANE Select); 6 bases into the intron after coding-DNA position 96, C replaced by A.
Molecular consequence: intron variant.
Genome position (GRCh38, 1-based): chr11:68,003,942, G>T on the plus strand (C>A on the coding strand, the complement: UNC93B1 is on the minus strand). VCF-style: chr11-68003942-G-T. GRCh37 (hg19) VCF-style: chr11-67771412-G-T.
Identifiers: ClinVar variation 1026867 (VCV001026867.4), dbSNP rs1046173869, ClinGen allele CA224219174.